The following is an entry in ClinVar:

NM_018972.4(GDAP1):c.697G>A (p.Glu233Lys)

Gene: GDAP1 (ganglioside induced differentiation associated protein 1; plus strand). Cytogenetic location: 8q21.11.
Variant type: single nucleotide variant.
Coding change: c.697G>A on transcript NM_018972.4 (MANE Select); coding-DNA position 697, G replaced by A.
Protein change: p.Glu233Lys; replaces glutamic acid 233 with lysine.
Molecular consequence: missense variant. On other transcripts: intron variant (1).
Genome position (GRCh38, 1-based): chr8:74,363,987, G>A. VCF-style: chr8-74363987-G-A. GRCh37 (hg19) VCF-style: chr8-75276222-G-A.
Other names: c.493G>A, p.Glu165Lys (NM_001040875.4); c.370G>A, p.Glu124Lys (NM_001362929.2, NM_001362932.2); c.523G>A, p.Glu175Lys (NM_001362930.2); c.694+934G>A (NM_001362931.2); short protein forms E175K, E233K, E124K, E165K.
Identifiers: ClinVar variation 2891349 (VCV002891349.3), dbSNP rs773719264, ClinGen allele CA4785184.

ClinVar aggregate classification (germline): Uncertain significance (1 of 4 stars; one submission).

Conditions:
Charcot-Marie-Tooth disease type 4A. Also called: Charcot-Marie-Tooth disease, demyelinating, autosomal recessive, type 4a. Identifiers: Orphanet 99948, MedGen C1859198, MONDO:0008961, OMIM 214400.

gnomAD v4.1: 13 of 1,613,888 alleles (0.00081%); highest among the groups gnomAD compares: South Asian, 0.012%; no homozygotes.

Submission:

Labcorp Genetics (formerly Invitae), Labcorp
Classification: Uncertain significance for Charcot-Marie-Tooth disease type 4A. Last evaluated: 2024-01-31. Review status: criteria provided, single submitter. Criteria: Invitae Variant Classification Sherloc (09022015). Collection method: clinical testing. Allele origin: germline.
Comment: This sequence change replaces glutamic acid, which is acidic and polar, with lysine, which is basic and polar, at codon 233 of the GDAP1 protein (p.Glu233Lys). The frequency data for this variant in the population databases is considered unreliable, as metrics indicate poor data quality at this position in the gnomAD database. This variant has not been reported in the literature in individuals affected with GDAP1-related conditions. An algorithm developed to predict the effect of missense changes on protein structure and function (PolyPhen-2) suggests that this variant is likely to be tolerated. In summary, the available evidence is currently insufficient to determine the role of this variant in disease. Therefore, it has been classified as a Variant of Uncertain Significance.